The following is an entry in ClinVar:

ClinVar aggregate classification (germline): Uncertain significance. Review status: criteria provided, multiple submitters, no conflicts (2 of 4 stars). 2 submissions from 2 submitters: Uncertain significance (2). Last evaluated 2023-04-06.

Conditions:
Progressive myoclonic epilepsy. Also called: Familial progressive myoclonic epilepsy; Myoclonic Epilepsies, Progressive; Myoclonus epilepsy; Progressive myoclonus epilepsy. Identifiers: Orphanet 308, Orphanet 98261, MedGen C0751778, MONDO:0020074.

Allele frequency attached by ClinVar (database versions not stated): ExAC 0.00002; gnomAD 0.00003.
gnomAD v4.1: 46 of 1,610,878 alleles (0.0029%); highest among the groups gnomAD compares: African/African-American, 0.008%; no homozygotes.

Submissions (2):

Blueprint Genetics
Classification: Uncertain significance. Last evaluated: 2023-04-06. Review status: criteria provided, single submitter. Criteria: ACMG Guidelines, 2015. Collection method: clinical testing. Allele origin: germline.

Labcorp Genetics (formerly Invitae), Labcorp
Classification: Uncertain significance for Progressive myoclonic epilepsy. Last evaluated: 2022-09-13. Review status: criteria provided, single submitter. Criteria: Invitae Variant Classification Sherloc (09022015). Collection method: clinical testing. Allele origin: germline.
Comment: This sequence change replaces arginine, which is basic and polar, with cysteine, which is neutral and slightly polar, at codon 47 of the GOSR2 protein (p.Arg47Cys). This variant is present in population databases (rs747328256, gnomAD 0.008%). This variant has not been reported in the literature in individuals affected with GOSR2-related conditions. ClinVar contains an entry for this variant (Variation ID: 1383424). Algorithms developed to predict the effect of missense changes on protein structure and function are either unavailable or do not agree on the potential impact of this missense change (SIFT: "Deleterious"; PolyPhen-2: "Benign"; Align-GVGD: "Class C25"). In summary, the available evidence is currently insufficient to determine the role of this variant in disease. Therefore, it has been classified as a Variant of Uncertain Significance.

NM_004287.5(GOSR2):c.139C>T (p.Arg47Cys)

Genes: GOSR2 (golgi SNAP receptor complex member 2; plus strand), LRRC37A2 (leucine rich repeat containing 37 member A2), LOC126862578 (BRD4-independent group 4 enhancer GRCh37_chr17:45008344-45009543; plus strand). Cytogenetic location: 17q21.32.
Variant type: single nucleotide variant.
Coding change: c.139C>T on transcript NM_004287.5 (MANE Select); coding-DNA position 139, C replaced by T.
Protein change: p.Arg47Cys; replaces arginine 47 with cysteine.
Molecular consequence: missense variant. On other transcripts: non-coding transcript variant (3).
Genome position (GRCh38, 1-based): chr17:46,931,143, C>T. VCF-style: chr17-46931143-C-T. GRCh37 (hg19) VCF-style: chr17-45008509-C-T.
Other names: c.139C>T, p.Arg47Cys (NM_001012511.3, NM_001321133.2, NM_001330252.2 and 1 more transcripts); c.85C>T, p.Arg29Cys (NM_001321134.2, NM_001363851.2); c.136C>T, p.Arg46Cys (NM_001353114.2, NM_001353115.2, NM_001353116.2); short protein forms R29C, R46C, R47C.
Identifiers: ClinVar variation 1383424 (VCV001383424.4), dbSNP rs747328256, ClinGen allele CA8621170.